The following is an entry in ClinVar:

NM_001267550.2(TTN):c.47487C>A (p.Tyr15829Ter)

Genes: TTN-AS1 (TTN antisense RNA 1; plus strand), TTN (titin; minus strand). Cytogenetic location: 2q31.2.
Variant type: single nucleotide variant.
Coding change: c.47487C>A on transcript NM_001267550.2 (MANE Select); coding-DNA position 47487, C replaced by A.
Protein change: p.Tyr15829Ter; replaces tyrosine 15829 with a stop codon.
Molecular consequence: nonsense.
Genome position (GRCh38, 1-based): chr2:178,617,864, G>T on the plus strand (C>A on the coding strand, the complement: TTN is on the minus strand). VCF-style: chr2-178617864-G-T. GRCh37 (hg19) VCF-style: chr2-179482591-G-T.
Other names: c.42564C>A, p.Tyr14188Ter (NM_001256850.1); c.20292C>A, p.Tyr6764Ter (NM_003319.4); c.39783C>A, p.Tyr13261Ter (NM_133378.4); c.20667C>A, p.Tyr6889Ter (NM_133432.3); c.20868C>A, p.Tyr6956Ter (NM_133437.4); short protein forms Y13261*, Y14188*, Y6889*, Y6956*, Y15829*, Y6764*.
Identifiers: ClinVar variation 972188 (VCV000972188.1), dbSNP rs2057643696, ClinGen allele CA349616689.
Genomic context (GRCh38, chr2:178,617,864, plus strand): 5'-GGGTGTGGCTGCACTTGGTTTTCCAACTCCAATTCGATTTTGGGCTCTCACTCGGAAACT[G>T]TACTCCTGTCCTTCTACCACATCAGTAACAGTTGCAGACAGGTCTTCAGCTCTCACAGTC-3'

ClinVar aggregate classification (germline): Likely pathogenic (1 of 4 stars; one submission).

Conditions:
Dilated cardiomyopathy 1G (CMD1G). Identifiers: Orphanet 154, MedGen C1858763, MONDO:0011400, OMIM 604145.
Autosomal recessive limb-girdle muscular dystrophy type 2J (LGMDR10). Also called: Limb-girdle muscular dystrophy, type 2J; MUSCULAR DYSTROPHY, LIMB-GIRDLE, AUTOSOMAL RECESSIVE 10. Identifiers: Orphanet 140922, MedGen C1837342, MONDO:0012127, OMIM 608807.

Submission:

Labcorp Genetics (formerly Invitae), Labcorp
Classification: Likely pathogenic for Dilated cardiomyopathy 1G; Limb-girdle muscular dystrophy, type 2J. Last evaluated: 2019-10-18. Review status: criteria provided, single submitter. Criteria: Invitae Variant Classification Sherloc (09022015). Collection method: clinical testing. Allele origin: germline.
Comment: This sequence change results in a premature translational stop signal in the TTN gene (p.Tyr15829*). While this is not anticipated to result in nonsense mediated decay, it is expected to create a truncated TTN protein. This variant is not present in population databases (ExAC no frequency). This variant has not been reported in the literature in individuals with TTN-related conditions. This variant is located in the A band of TTN (PMID: 25589632). Truncating variants in this region are significantly overrepresented in patients affected with dilated cardiomyopathy (PMID: 25589632). Truncating variants in this region have also been reported in individuals affected with autosomal recessive centronuclear myopathy (PMID: 23975875). In summary, the currently available evidence indicates that the variant is pathogenic, but additional data are needed to prove that conclusively. Therefore, this variant has been classified as Likely Pathogenic.

Literature cited by the submitters: PubMed 23975875; PubMed 25589632.